The following is an entry in ClinVar:

NM_017780.4(CHD7):c.3242T>A (p.Ile1081Asn)

Gene: CHD7 (chromodomain helicase DNA binding protein 7; plus strand). Cytogenetic location: 8q12.2.
Variant type: single nucleotide variant.
Coding change: c.3242T>A on transcript NM_017780.4 (MANE Select); coding-DNA position 3242, T replaced by A.
Protein change: p.Ile1081Asn; replaces isoleucine 1081 with asparagine.
Molecular consequence: missense variant. On other transcripts: intron variant (1).
Genome position (GRCh38, 1-based): chr8:60,823,880, T>A. VCF-style: chr8-60823880-T-A. GRCh37 (hg19) VCF-style: chr8-61736439-T-A.
Other names: c.1717-38349T>A (NM_001316690.1); short protein forms I1081N.
Identifiers: ClinVar variation 3346449 (VCV003346449.4).

ClinVar aggregate classification (germline): Conflicting classifications of pathogenicity. Review status: criteria provided, conflicting classifications (1 of 4 stars). 2 submissions from 2 submitters: Likely pathogenic (1); Uncertain significance (1). Last evaluated 2026-01-28.

Conditions:
CHD7-related disorder. Also called: CHD7-related condition.

Submissions (2):

GeneDx
Classification: Likely pathogenic. Last evaluated: 2026-01-28. Review status: criteria provided, single submitter. Criteria: GeneDx Variant Classification Process June 2021. Collection method: clinical testing. Allele origin: germline.
Comment: Not observed at significant frequency in large population cohorts (gnomAD); In silico analysis supports that this missense variant has a deleterious effect on protein structure/function; Has not been previously published as pathogenic or benign to our knowledge

PreventionGenetics, part of Exact Sciences
Classification: Uncertain significance for CHD7-related condition. Last evaluated: 2025-01-17. Review status: criteria provided, single submitter. Criteria: ACMG Guidelines, 2015. Collection method: clinical testing. Allele origin: germline.
Comment: The CHD7 c.3242T>A variant is predicted to result in the amino acid substitution p.Ile1081Asn. To our knowledge, this variant has not been reported in the literature or in a large population database, indicating this variant is rare. An alternate variant at the same amino acid position has been reported in ClinVar with conflicting classifications of likely pathogenic and uncertain significance, and in one of the cases it was documented as a de novo finding ((CHD7):c.3241A%3ET%20(p.Ile1081Phe)). At this time, the clinical significance of this variant is uncertain due to the absence of conclusive functional and genetic evidence.